The following is an entry in ClinVar:

ClinVar aggregate classification (germline): Uncertain significance (1 of 4 stars; one submission).

Conditions:
Familial adenomatous polyposis 2. Also called: Adenomas, multiple colorectal; MUTYH Polyposis; COLORECTAL ADENOMATOUS POLYPOSIS, AUTOSOMAL RECESSIVE; ADENOMAS, MULTIPLE COLORECTAL, AUTOSOMAL RECESSIVE; MUTYH-associated polyposis; MUTYH-related attenuated familial adenomatous polyposis. Identifiers: Orphanet 220460, Orphanet 247798, MedGen C3272841, MONDO:0012041, OMIM 608456.

Submission:

Labcorp Genetics (formerly Invitae), Labcorp
Classification: Uncertain significance for Familial adenomatous polyposis 2. Last evaluated: 2023-11-21. Review status: criteria provided, single submitter. Criteria: Invitae Variant Classification Sherloc (09022015). Collection method: clinical testing. Allele origin: germline.
Comment: This sequence change replaces proline, which is neutral and non-polar, with threonine, which is neutral and polar, at codon 366 of the MUTYH protein (p.Pro366Thr). This variant is not present in population databases (gnomAD no frequency). This missense change has been observed in individual(s) with colorectal cancer and polyposis coli (PMID: 16140997). ClinVar contains an entry for this variant (Variation ID: 940996). An algorithm developed to predict the effect of missense changes on protein structure and function (PolyPhen-2) suggests that this variant is likely to be tolerated. In summary, the available evidence is currently insufficient to determine the role of this variant in disease. Therefore, it has been classified as a Variant of Uncertain Significance.

Literature cited by the submitters: PubMed 16140997.

NM_001048174.2(MUTYH):c.1012C>A (p.Pro338Thr)

Gene: MUTYH (mutY DNA glycosylase; minus strand). Cytogenetic location: 1p34.1.
Variant type: single nucleotide variant.
Coding change: c.1012C>A on transcript NM_001048174.2 (MANE Select); coding-DNA position 1012, C replaced by A.
Protein change: p.Pro338Thr; replaces proline 338 with threonine.
Molecular consequence: missense variant. On other transcripts: non-coding transcript variant (2).
Genome position (GRCh38, 1-based): chr1:45,331,751, G>T on the plus strand (C>A on the coding strand, the complement: MUTYH is on the minus strand). VCF-style: chr1-45331751-G-T. GRCh37 (hg19) VCF-style: chr1-45797423-G-T.
Other names: c.1012C>A, p.Pro338Thr (NM_001048171.2, NM_001048173.2, NM_001293195.2); c.1015C>A, p.Pro339Thr (NM_001048172.2); c.1096C>A, p.Pro366Thr (NM_001128425.2); c.1057C>A, p.Pro353Thr (NM_001293190.2); c.1045C>A, p.Pro349Thr (NM_001293191.2); c.736C>A, p.Pro246Thr (NM_001293192.2, NM_001293196.2); c.667C>A, p.Pro223Thr (NM_001350650.2, NM_001350651.2); c.1087C>A, p.Pro363Thr (NM_012222.3); short protein forms P246T, P339T, P223T, P338T, P349T, P353T, P363T, P366T.
Identifiers: ClinVar variation 940996 (VCV000940996.9), dbSNP rs267598622, ClinGen allele CA340133584.